The following is an entry in ClinVar:

NM_000455.5(STK11):c.1059C>T (p.Leu353=)

Genes: STK11 (serine/threonine kinase 11; plus strand), LOC130062899 (ATAC-STARR-seq lymphoblastoid active region 13597; plus strand). Cytogenetic location: 19p13.3.
Variant type: single nucleotide variant.
Coding change: c.1059C>T on transcript NM_000455.5 (MANE Select); coding-DNA position 1059, C replaced by T.
Protein change: p.Leu353=; no amino-acid change (leucine 353 retained).
Molecular consequence: synonymous variant. On other transcripts: non-coding transcript variant (1).
Genome position (GRCh38, 1-based): chr19:1,223,123, C>T. VCF-style: chr19-1223123-C-T. GRCh37 (hg19) VCF-style: chr19-1223122-C-T.
Other names: c.1059C>T, p.Leu353= (NM_001407255.1).
Identifiers: ClinVar variation 1779481 (VCV001779481.5), dbSNP rs757771824, ClinGen allele CA304028861.

ClinVar aggregate classification (germline): Benign/Likely benign. Review status: criteria provided, multiple submitters, no conflicts (2 of 4 stars). 3 submissions from 3 submitters: Benign (1); Likely benign (2). Last evaluated 2025-03-28.

Conditions:
Peutz-Jeghers syndrome (PJS). Also called: POLYPOSIS, HAMARTOMATOUS INTESTINAL; POLYPS-AND-SPOTS SYNDROME; Peutz-Jeghers polyposis; Periorificial lentiginosis syndrome. Identifiers: Orphanet 2869, MedGen C0031269, MeSH D010580, MONDO:0008280, OMIM 175200.
Hereditary cancer-predisposing syndrome. Also called: Tumor predisposition; Neoplastic Syndromes, Hereditary; Hereditary Cancer Syndrome; Hereditary neoplastic syndrome. Identifiers: Orphanet 140162, MedGen C0027672, MeSH D009386, MONDO:0015356.

Submissions (3):

Myriad Genetics, Inc.
Classification: Benign for Peutz-Jeghers syndrome. Last evaluated: 2025-03-28. Review status: criteria provided, single submitter. Criteria: Myriad Autosomal Dominant, Autosomal Recessive and X-Linked Classification Criteria (2023). Collection method: clinical testing. Allele origin: unknown.
Comment: This variant is considered benign. This variant is a silent/synonymous amino acid change and it is not expected to impact splicing.

Labcorp Genetics (formerly Invitae), Labcorp
Classification: Likely benign for Peutz-Jeghers syndrome. Last evaluated: 2024-02-06. Review status: criteria provided, single submitter. Criteria: Invitae Variant Classification Sherloc (09022015). Collection method: clinical testing. Allele origin: germline.

Ambry Genetics
Classification: Likely benign for Hereditary cancer-predisposing syndrome. Last evaluated: 2017-05-31. Review status: criteria provided, single submitter. Criteria: Ambry Variant Classification Scheme 2023. Collection method: clinical testing. Allele origin: germline.